The following is an entry in ClinVar:

NM_173565.5(RSPH10B):c.332G>T (p.Gly111Val)

Gene: RSPH10B (radial spoke head 10 homolog B; minus strand). Cytogenetic location: 7p22.1.
Variant type: single nucleotide variant.
Coding change: c.332G>T on transcript NM_173565.5 (MANE Select); coding-DNA position 332, G replaced by T.
Protein change: p.Gly111Val; replaces glycine 111 with valine.
Molecular consequence: missense variant.
Genome position (GRCh38, 1-based): chr7:5,964,569, C>A on the plus strand (G>T on the coding strand, the complement: RSPH10B is on the minus strand). VCF-style: chr7-5964569-C-A. GRCh37 (hg19) VCF-style: chr7-6004200-C-A.
Other names: short protein forms G111V.
Identifiers: ClinVar variation 4880130 (VCV004880130.1).

ClinVar aggregate classification (germline): Uncertain significance (1 of 4 stars; one submission).

Conditions:
Primary ciliary dyskinesia. Also called: Ciliary dyskinesia. Identifiers: Orphanet 244, MedGen C0008780, MONDO:0016575, HP:0012265.

Submission:

Department of Human Genetics, Hannover Medical School
Classification: Uncertain significance for Primary Ciliary Dyskinesia. Last evaluated: 2026-04-01. Review status: criteria provided, single submitter. Criteria: ACMG Guidelines, 2015. Collection method: research. Allele origin: germline. Affected: no.
Comment: Classification performed by HerediClassify using the following criteria:['PM2_supporting: Variant occures does not occur as homozygous in gnomAD.', 'PP3_protein_moderate: Variant is predicted to be pathogenic by REVEL with evidence strength moderate meeting a threshold of 0.773 (value: 0.93).', "PP4_supporting: The modified PICADAR socre of 2.0 exceeds threshold of 2 achieving 'supporting' evidence strength."]